The following is an entry in ClinVar:

NM_000143.4(FH):c.204T>G (p.Tyr68Ter)

Gene: FH (fumarate hydratase; minus strand). Cytogenetic location: 1q43.
Variant type: single nucleotide variant.
Coding change: c.204T>G on transcript NM_000143.4 (MANE Select); coding-DNA position 204, T replaced by G.
Protein change: p.Tyr68Ter; replaces tyrosine 68 with a stop codon.
Molecular consequence: nonsense.
Genome position (GRCh38, 1-based): chr1:241,517,245, A>C on the plus strand (T>G on the coding strand, the complement: FH is on the minus strand). VCF-style: chr1-241517245-A-C. GRCh37 (hg19) VCF-style: chr1-241680545-A-C.
Other names: short protein forms Y68*.
Identifiers: ClinVar variation 1785053 (VCV001785053.4), dbSNP rs1060500883, ClinGen allele CA345441837.
Genomic context (GRCh38, chr1:241,517,245, plus strand): 5'-CATGCGTTCTGTCACACCTCCAATCTTAAAGTTCATCGTAGATCTCACGGTCTGGGCGCC[A>C]TAATACTTATCATTTGGCACCTTTAGTTCACCAAAGGTATCATATTCTATCCGGAAGGAA-3'

ClinVar aggregate classification (germline): Pathogenic. Review status: criteria provided, multiple submitters, no conflicts (2 of 4 stars). 2 submissions from 2 submitters: Pathogenic (2). Last evaluated 2024-09-01.

Conditions:
Hereditary cancer-predisposing syndrome. Also called: Neoplastic Syndromes, Hereditary; Tumor predisposition; Hereditary Cancer Syndrome; Hereditary neoplastic syndrome. Identifiers: Orphanet 140162, MedGen C0027672, MeSH D009386, MONDO:0015356.

Submissions (2):

Labcorp Genetics (formerly Invitae), Labcorp
Classification: Pathogenic. Last evaluated: 2024-09-01. Review status: criteria provided, single submitter. Criteria: Invitae Variant Classification Sherloc (09022015). Collection method: clinical testing. Allele origin: germline.
Comment: This sequence change creates a premature translational stop signal (p.Tyr68*) in the FH gene. It is expected to result in an absent or disrupted protein product. Loss-of-function variants in FH are known to be pathogenic (PMID: 11865300, 21398687). This variant is not present in population databases (gnomAD no frequency). This premature translational stop signal has been observed in individual(s) with hereditary leiomyomatosis renal cell carcinoma (PMID: 30741757). ClinVar contains an entry for this variant (Variation ID: 1785053). For these reasons, this variant has been classified as Pathogenic.

Ambry Genetics
Classification: Pathogenic for Hereditary cancer-predisposing syndrome. Last evaluated: 2022-09-14. Review status: criteria provided, single submitter. Criteria: Ambry Variant Classification Scheme 2023. Collection method: clinical testing. Allele origin: germline.
Comment: The p.Y68* pathogenic mutation (also known as c.204T>G), located in coding exon 2 of the FH gene, results from a T to G substitution at nucleotide position 204. This changes the amino acid from a tyrosine to a stop codon within coding exon 2. This specific alteration has not been reported in the literature; however, another alteration, FH c.204T>A, with the same predicted alternate stop codon has been reported in two patients with FH-deficient uterine leiomyomas (Rabban JT et al. Am J Surg Pathol. 2019 05;43:639-655). This variant is considered to be rare based on population cohorts in the Genome Aggregation Database (gnomAD). In addition to the clinical data presented in the literature, this alteration is expected to result in loss of function by premature protein truncation or nonsense-mediated mRNA decay. As such, this alteration is interpreted as a disease-causing mutation.

Literature cited by the submitters: PubMed 11865300 (cited by Labcorp Genetics (formerly Invitae), Labcorp); PubMed 21398687 (cited by Labcorp Genetics (formerly Invitae), Labcorp); PubMed 30741757 (cited by Labcorp Genetics (formerly Invitae), Labcorp and Ambry Genetics).